The following is an entry in ClinVar:

ClinVar aggregate classification (germline): Uncertain significance (1 of 4 stars; one submission).

Conditions:
Inborn genetic diseases. Identifiers: MedGen C0950123, MeSH D030342.

Submission:

Ambry Genetics
Classification: Uncertain significance for Inborn genetic diseases. Last evaluated: 2024-05-04. Review status: criteria provided, single submitter. Criteria: Ambry Variant Classification Scheme 2023. Collection method: clinical testing. Allele origin: germline.
Comment: The p.V409I variant (also known as c.1225G>A), located in coding exon 6 of the PIK3CA gene, results from a G to A substitution at nucleotide position 1225. The valine at codon 409 is replaced by isoleucine, an amino acid with highly similar properties. This amino acid position is conserved. In addition, the in silico prediction for this alteration is inconclusive. Based on the available evidence, the clinical significance of this variant remains unclear.

NM_006218.4(PIK3CA):c.1225G>A (p.Val409Ile)

Gene: PIK3CA (phosphatidylinositol-4,5-bisphosphate 3-kinase catalytic subunit alpha; plus strand). Cytogenetic location: 3q26.32.
Variant type: single nucleotide variant.
Coding change: c.1225G>A on transcript NM_006218.4 (MANE Select); coding-DNA position 1225, G replaced by A.
Protein change: p.Val409Ile; replaces valine 409 with isoleucine.
Molecular consequence: missense variant.
Genome position (GRCh38, 1-based): chr3:179,209,674, G>A. VCF-style: chr3-179209674-G-A. GRCh37 (hg19) VCF-style: chr3-178927462-G-A.
Other names: short protein forms V409I.
Identifiers: ClinVar variation 3306595 (VCV003306595.1).